The following is an entry in ClinVar:

NM_000126.4(ETFA):c.521A>G (p.Asp174Gly)

Gene: ETFA (electron transfer flavoprotein subunit alpha; minus strand). Cytogenetic location: 15q24.2.
Variant type: single nucleotide variant.
Coding change: c.521A>G on transcript NM_000126.4 (MANE Select); coding-DNA position 521, A replaced by G.
Protein change: p.Asp174Gly; replaces aspartic acid 174 with glycine.
Molecular consequence: missense variant.
Genome position (GRCh38, 1-based): chr15:76,286,412, T>C on the plus strand (A>G on the coding strand, the complement: ETFA is on the minus strand). VCF-style: chr15-76286412-T-C. GRCh37 (hg19) VCF-style: chr15-76578753-T-C.
Other names: c.374A>G, p.Asp125Gly (NM_001127716.2); short protein forms D174G, D125G.
Identifiers: ClinVar variation 1963916 (VCV001963916.4), dbSNP rs1396125343, ClinGen allele CA393513462.

ClinVar aggregate classification (germline): Uncertain significance. Review status: criteria provided, multiple submitters, no conflicts (2 of 4 stars). 2 submissions from 2 submitters: Uncertain significance (2). Last evaluated 2025-03-17.

Conditions:
Inborn genetic diseases. Identifiers: MedGen C0950123, MeSH D030342.
Multiple acyl-CoA dehydrogenase deficiency (MADD). Also called: Glutaric Acidemia type 2; ETHYLMALONIC-ADIPICACIDURIA; GA II; Glutaric aciduria, type 2; Glutaric acidemia type II; GA 2. Identifiers: Orphanet 26791, MedGen C0268596, MONDO:0009282, OMIM 231680.

Allele frequency attached by ClinVar (database versions not stated): TOPMed below 0.00001; gnomAD 0.00001.

Submissions (2):

Labcorp Genetics (formerly Invitae), Labcorp
Classification: Uncertain significance for Multiple acyl-CoA dehydrogenase deficiency. Last evaluated: 2025-03-17. Review status: criteria provided, single submitter. Criteria: Invitae Variant Classification Sherloc (09022015). Collection method: clinical testing. Allele origin: germline.
Comment: This sequence change replaces aspartic acid, which is acidic and polar, with glycine, which is neutral and non-polar, at codon 174 of the ETFA protein (p.Asp174Gly). This variant is present in population databases (no rsID available, gnomAD 0.01%). This variant has not been reported in the literature in individuals affected with ETFA-related conditions. ClinVar contains an entry for this variant (Variation ID: 1963916). Invitae Evidence Modeling of protein sequence and biophysical properties (such as structural, functional, and spatial information, amino acid conservation, physicochemical variation, residue mobility, and thermodynamic stability) indicates that this missense variant is not expected to disrupt ETFA protein function with a negative predictive value of 80%. In summary, the available evidence is currently insufficient to determine the role of this variant in disease. Therefore, it has been classified as a Variant of Uncertain Significance.

Ambry Genetics
Classification: Uncertain significance for Inborn genetic diseases. Last evaluated: 2021-08-12. Review status: criteria provided, single submitter. Criteria: Ambry Variant Classification Scheme 2023. Collection method: clinical testing. Allele origin: germline.